The following is an entry in ClinVar:

NM_182914.3(SYNE2):c.2806T>C (p.Tyr936His)

Gene: SYNE2 (spectrin repeat containing nuclear envelope protein 2; plus strand). Cytogenetic location: 14q23.2.
Variant type: single nucleotide variant.
Coding change: c.2806T>C on transcript NM_182914.3 (MANE Select); coding-DNA position 2806, T replaced by C.
Protein change: p.Tyr936His; replaces tyrosine 936 with histidine.
Molecular consequence: missense variant.
Genome position (GRCh38, 1-based): chr14:63,995,068, T>C. VCF-style: chr14-63995068-T-C. GRCh37 (hg19) VCF-style: chr14-64461786-T-C.
Other names: c.2806T>C, p.Tyr936His (NM_015180.6); short protein forms Y936H.
Identifiers: ClinVar variation 2695381 (VCV002695381.3), dbSNP rs2550941846, ClinGen allele CA389983305.

ClinVar aggregate classification (germline): Uncertain significance (1 of 4 stars; one submission).

Conditions:
Emery-Dreifuss muscular dystrophy 5, autosomal dominant (EDMD5). Also called: EMERY-DREIFUSS MUSCULAR DYSTROPHY 5. Identifiers: Orphanet 261, MedGen C2751805, MONDO:0013072, OMIM 612999.

Submission:

Labcorp Genetics (formerly Invitae), Labcorp
Classification: Uncertain significance for Emery-Dreifuss muscular dystrophy 5, autosomal dominant. Last evaluated: 2023-11-12. Review status: criteria provided, single submitter. Criteria: Invitae Variant Classification Sherloc (09022015). Collection method: clinical testing. Allele origin: germline.
Comment: This sequence change replaces tyrosine, which is neutral and polar, with histidine, which is basic and polar, at codon 936 of the SYNE2 protein (p.Tyr936His). This variant is not present in population databases (gnomAD no frequency). This variant has not been reported in the literature in individuals affected with SYNE2-related conditions. An algorithm developed to predict the effect of missense changes on protein structure and function (PolyPhen-2) suggests that this variant is likely to be disruptive. In summary, the available evidence is currently insufficient to determine the role of this variant in disease. Therefore, it has been classified as a Variant of Uncertain Significance.